The following is an entry in ClinVar:

NM_001252024.2(TRPM1):c.4502G>A (p.Arg1501His)

Gene: TRPM1 (transient receptor potential cation channel subfamily M member 1; minus strand). Cytogenetic location: 15q13.3.
Variant type: single nucleotide variant.
Coding change: c.4502G>A on transcript NM_001252024.2 (MANE Select); coding-DNA position 4502, G replaced by A.
Protein change: p.Arg1501His; replaces arginine 1501 with histidine.
Molecular consequence: missense variant.
Genome position (GRCh38, 1-based): chr15:31,002,198, C>T on the plus strand (G>A on the coding strand, the complement: TRPM1 is on the minus strand). VCF-style: chr15-31002198-C-T. GRCh37 (hg19) VCF-style: chr15-31294401-C-T.
Other names: c.4553G>A, p.Arg1518His (NM_001252020.2); c.4436G>A, p.Arg1479His (NM_002420.6); short protein forms R1501H, R1518H, R1479H.
Identifiers: ClinVar variation 887261 (VCV000887261.17), dbSNP rs111649153, ClinGen allele CA7451629.

ClinVar aggregate classification (germline): Benign/Likely benign. Review status: criteria provided, multiple submitters, no conflicts (2 of 4 stars). 6 submissions from 6 submitters: Benign (1); Likely benign (3). 2 of the submissions do not count toward it. Last evaluated 2026-01-05.

Conditions:
Congenital stationary night blindness 1C. Also called: Night blindness, congenital stationary (complete), 1C, autosomal recessive. Identifiers: Orphanet 215, MedGen C2750747, MONDO:0013183, OMIM 613216.

Allele frequency attached by ClinVar (database versions not stated): gnomAD exomes 0.00025 and 0.00053; ExAC 0.00068; TOPMed 0.00225; 1000 Genomes Project 0.00260; 1000 Genomes Project 30x 0.00297; ESP Exome Variant Server 0.00314.
gnomAD v4.1: 735 of 1,614,194 alleles (0.046%); highest among the groups gnomAD compares: African/African-American, 0.82%; 1 homozygote.

Submissions (6):

Labcorp Genetics (formerly Invitae), Labcorp
Classification: Benign. Last evaluated: 2026-01-05. Review status: criteria provided, single submitter. Criteria: Invitae Variant Classification Sherloc (09022015). Collection method: clinical testing. Allele origin: germline.

Blueprint Genetics
Classification: Likely benign. Last evaluated: 2024-07-26. Review status: criteria provided, single submitter. Criteria: ACMG Guidelines, 2015. Collection method: clinical testing. Allele origin: germline.

Illumina Laboratory Services, Illumina
Classification: Likely benign for Congenital stationary night blindness 1C. Last evaluated: 2018-01-13. Review status: criteria provided, single submitter. Criteria: ICSL Variant Classification Criteria 13 December 2019. Collection method: clinical testing. Allele origin: germline.
Comment: This variant was observed in the ICSL laboratory as part of a predisposition screen in an ostensibly healthy population. It had not been previously curated by ICSL or reported in the Human Gene Mutation Database (HGMD: prior to June 1st, 2018), and was therefore a candidate for classification through an automated scoring system. Utilizing variant allele frequency, disease prevalence and penetrance estimates, and inheritance mode, an automated score was calculated to assess if this variant is too frequent to cause the disease. Based on the score and internal cut-off values, a variant classified as likely benign is not then subjected to further curation. The score for this variant resulted in a classification of likely benign for this disease.

Breakthrough Genomics
Classification: Likely benign. Review status: criteria provided, single submitter. Criteria: ACMG Guidelines, 2015. Collection method: not provided. Allele origin: germline. Inheritance: Unknown mechanism. Affected: yes.

Clinical Genetics DNA and cytogenetics Diagnostics Lab, Erasmus MC, Erasmus Medical Center
Classification: Likely benign. Review status: no assertion criteria provided. Collection method: clinical testing. Allele origin: germline. Affected: yes. Study: VKGL Data-share Consensus. Not counted in ClinVar's aggregate classification.

Clinical Genetics, Academic Medical Center
Classification: Likely benign. Review status: no assertion criteria provided. Collection method: clinical testing. Allele origin: germline. Affected: yes. Study: VKGL Data-share Consensus. Not counted in ClinVar's aggregate classification.